The following is an entry in ClinVar:

NM_003098.3(SNTA1):c.686A>G (p.Asn229Ser)

Gene: SNTA1 (syntrophin alpha 1; minus strand). Cytogenetic location: 20q11.21.
Variant type: single nucleotide variant.
Coding change: c.686A>G on transcript NM_003098.3 (MANE Select); coding-DNA position 686, A replaced by G.
Protein change: p.Asn229Ser; replaces asparagine 229 with serine.
Molecular consequence: missense variant.
Genome position (GRCh38, 1-based): chr20:33,417,734, T>C on the plus strand (A>G on the coding strand, the complement: SNTA1 is on the minus strand). VCF-style: chr20-33417734-T-C. GRCh37 (hg19) VCF-style: chr20-32005540-T-C.
Other names: short protein forms N229S.
Identifiers: ClinVar variation 423607 (VCV000423607.2), dbSNP rs1064796525, ClinGen allele CA16620926.

ClinVar aggregate classification (germline): Uncertain significance (1 of 4 stars; one submission).

Allele frequency attached by ClinVar (database versions not stated): gnomAD exomes below 0.00001.
gnomAD v4.1: 6 of 1,613,228 alleles (0.00037%); highest among the groups gnomAD compares: Non-Finnish European, 0.00051%; no homozygotes.

Submission:

GeneDx
Classification: Uncertain significance. Last evaluated: 2017-02-13. Review status: criteria provided, single submitter. Criteria: GeneDx Variant Classification (06012015). Collection method: clinical testing. Allele origin: germline. Affected: yes.
Comment: The N229S variant has not beenpublished as pathogenic or been reported as benign to our knowledge. It is not observed in large population cohorts(Lek et al., 2016; 1000 Genomes Consortium et al., 2015; Exome Variant Server). However, the N229S variant is aconservative amino acid substitution, which is not likely to impact secondary protein structure as these residues sharesimilar properties. Moreover, this substitution occurs at a position that is not conserved across species, and in silicoanalysis predicts this variant likely does not alter the protein structure/function.